The following is an entry in ClinVar:

ClinVar aggregate classification (germline): Uncertain significance (1 of 4 stars; one submission).

Allele frequency attached by ClinVar (database versions not stated): gnomAD exomes below 0.00001; TOPMed below 0.00001; gnomAD 0.00001.
gnomAD v4.1: 5 of 1,613,912 alleles (0.00031%); highest among the groups gnomAD compares: East Asian, 0.0022%; no homozygotes.

Submission:

Labcorp Genetics (formerly Invitae), Labcorp
Classification: Uncertain significance. Last evaluated: 2023-07-16. Review status: criteria provided, single submitter. Criteria: Invitae Variant Classification Sherloc (09022015). Collection method: clinical testing. Allele origin: germline.
Comment: In summary, the available evidence is currently insufficient to determine the role of this variant in disease. Therefore, it has been classified as a Variant of Uncertain Significance. Advanced modeling of protein sequence and biophysical properties (such as structural, functional, and spatial information, amino acid conservation, physicochemical variation, residue mobility, and thermodynamic stability) performed at Invitae indicates that this missense variant is not expected to disrupt KMT2A protein function. This variant has not been reported in the literature in individuals affected with KMT2A-related conditions. This variant is not present in population databases (gnomAD no frequency). This sequence change replaces proline, which is neutral and non-polar, with serine, which is neutral and polar, at codon 2371 of the KMT2A protein (p.Pro2371Ser).

NM_001197104.2(KMT2A):c.7111C>T (p.Pro2371Ser)

Gene: KMT2A (lysine methyltransferase 2A; plus strand). Cytogenetic location: 11q23.3.
Variant type: single nucleotide variant.
Coding change: c.7111C>T on transcript NM_001197104.2 (MANE Select); coding-DNA position 7111, C replaced by T.
Protein change: p.Pro2371Ser; replaces proline 2371 with serine.
Molecular consequence: missense variant.
Genome position (GRCh38, 1-based): chr11:118,503,003, C>T. VCF-style: chr11-118503003-C-T. GRCh37 (hg19) VCF-style: chr11-118373718-C-T.
Other names: c.7201C>T, p.Pro2401Ser (NM_001412597.1); c.7102C>T, p.Pro2368Ser (NM_005933.4); short protein forms P2368S, P2401S, P2371S.
Identifiers: ClinVar variation 2825031 (VCV002825031.3), dbSNP rs1950525494, ClinGen allele CA382804344.